The following is an entry in ClinVar:

NM_014629.4(ARHGEF10):c.3171G>A (p.Ala1057=)

Gene: ARHGEF10 (Rho guanine nucleotide exchange factor 10; plus strand). Cytogenetic location: 8p23.3.
Variant type: single nucleotide variant.
Coding change: c.3171G>A on transcript NM_014629.4 (MANE Select); coding-DNA position 3171, G replaced by A.
Protein change: p.Ala1057=; no amino-acid change (alanine 1057 retained).
Molecular consequence: synonymous variant.
Genome position (GRCh38, 1-based): chr8:1,933,891, G>A. VCF-style: chr8-1933891-G-A. GRCh37 (hg19) VCF-style: chr8-1882057-G-A.
Other names: c.3057G>A, p.Ala1019= (NM_001308152.2); c.3171G>A, p.Ala1057= (NM_001308153.3).
Identifiers: ClinVar variation 1012589 (VCV001012589.43), dbSNP rs150276005, ClinGen allele CA4601243.
Genomic context (GRCh38, chr8:1,933,891, plus strand): 5'-GATCAAGTTAGGCGTCCTACCAGTTAGAAGTCTACTCATGATGGAAGACACGTTGTGGGC[G>A]GCTTCCGGAGGTCAAGTCTTCATCATCAGTGTGGAGACTCATGCTGTAGAGGTAAGTCAC-3'
Protein context (NP_055444.2, residues 1047-1067): SLLMMEDTLW[Ala1057=]ASGGQVFIIS

ClinVar aggregate classification (germline): Likely benign. Review status: criteria provided, multiple submitters, no conflicts (2 of 4 stars). 2 submissions from 2 submitters: Likely benign (2). Last evaluated 2025-06-04.

Allele frequency attached by ClinVar (database versions not stated): ExAC 0.00004; gnomAD exomes 0.00006; TOPMed 0.00007; ESP Exome Variant Server 0.00015.
gnomAD v4.1: 129 of 1,614,180 alleles (0.008%); highest among the groups gnomAD compares: Middle Eastern, 0.033%; no homozygotes.

Submissions (2):

Labcorp Genetics (formerly Invitae), Labcorp
Classification: Likely benign. Last evaluated: 2025-06-04. Review status: criteria provided, single submitter. Criteria: Invitae Variant Classification Sherloc (09022015). Collection method: clinical testing. Allele origin: germline.

CeGaT Center for Human Genetics Tuebingen
Classification: Likely benign. Last evaluated: 2025-01-01. Review status: criteria provided, single submitter. Criteria: CeGaT Center For Human Genetics Tuebingen Variant Classification Criteria Version 2. Collection method: clinical testing. Allele origin: germline. Affected: yes. Observed: 2 variant alleles.
Comment: ARHGEF10: BP4, BP7